The following is an entry in ClinVar:

NM_001032283.3(TMPO):c.565+1287A>G

Gene: TMPO (thymopoietin; plus strand). Cytogenetic location: 12q23.1.
Variant type: single nucleotide variant.
Coding change: c.565+1287A>G on transcript NM_001032283.3 (MANE Select); 1287 bases into the intron after coding-DNA position 565, A replaced by G.
Molecular consequence: intron variant. On other transcripts: missense variant (1).
Genome position (GRCh38, 1-based): chr12:98,533,125, A>G. VCF-style: chr12-98533125-A-G. GRCh37 (hg19) VCF-style: chr12-98926903-A-G.
Other names: c.868A>G, p.Lys290Glu (NM_003276.2); c.565+1287A>G (NM_001307975.2, NM_001032284.3); short protein forms K290E.
Identifiers: ClinVar variation 384820 (VCV000384820.11), dbSNP rs534940271, ClinGen allele CA6732304.

ClinVar aggregate classification (germline): Conflicting classifications of pathogenicity. Review status: criteria provided, conflicting classifications (1 of 4 stars). 2 submissions from 2 submitters: Uncertain significance (1); Likely benign (1). Last evaluated 2025-09-27.

Conditions:
Loeys-Dietz syndrome 2 (LDS2). Also called: AORTIC ANEURYSM, FAMILIAL THORACIC 3; MARFAN SYNDROME, TYPE II; Marfan Syndrome type 2; Marfan like connective tissue disorder; MFS 2; Marfan syndrome, type 2 (formerly). Identifiers: Orphanet 284973, Orphanet 558, MedGen C2674574, MONDO:0012427, OMIM 610168.

Allele frequency attached by ClinVar (database versions not stated): gnomAD 0.00003 and 0.00004; gnomAD exomes 0.00003 and 0.00011; ExAC 0.00005; TOPMed 0.00007; 1000 Genomes Project 30x 0.00016; 1000 Genomes Project 0.00020.
gnomAD v4.1: 54 of 1,614,128 alleles (0.0033%); highest among the groups gnomAD compares: East Asian, 0.11%; no homozygotes.

Submissions (2):

Labcorp Genetics (formerly Invitae), Labcorp
Classification: Likely benign for Loeys-Dietz syndrome 2. Last evaluated: 2025-09-27. Review status: criteria provided, single submitter. Criteria: Invitae Variant Classification Sherloc (09022015). Collection method: clinical testing. Allele origin: germline.

GeneDx
Classification: Uncertain significance. Last evaluated: 2017-01-12. Review status: criteria provided, single submitter. Criteria: GeneDx Variant Classification (06012015). Collection method: clinical testing. Allele origin: germline. Affected: yes.
Comment: A variant of uncertain significance has been identified in the TMPO gene. The K290E variant has not been published as a pathogenic variant or been reported as a benign variant to our knowledge. This variant has not been observed at a significant frequency in large population cohorts (Lek et al., 2016; McVean et al., 2012; Exome Variant Server; Exome Aggregation Consortium). The K290E variant is a non-conservative amino acid substitution, which is likely to impact secondary protein structure as these residues differ in polarity, charge, size and/or other properties. Nevertheless, this substitution occurs at a position that is not conserved, and glutamic acid (E) is the native amino acid at this position in at least one species. Furthermore, in silico analysis predicts this variant likely does not alter the protein structure/function.